The following is an entry in ClinVar:

ClinVar aggregate classification (germline): Uncertain significance. Review status: criteria provided, multiple submitters, no conflicts (2 of 4 stars). 2 submissions from 2 submitters: Uncertain significance (2). Last evaluated 2026-09-01.

Conditions:
GSN-related disorder. Also called: GSN-related condition.

gnomAD v4.1: 2 of 1,613,276 alleles (0.00012%); no homozygotes.

Submissions (2):

CeGaT Center for Human Genetics Tuebingen
Classification: Uncertain significance. Last evaluated: 2026-09-01. Review status: criteria provided, single submitter. Criteria: CeGaT Center For Human Genetics Tuebingen Variant Classification Criteria Version 2. Collection method: clinical testing. Allele origin: germline. Affected: yes. Observed: 1 variant allele.
Comment: GSN: PM2

PreventionGenetics, part of Exact Sciences
Classification: Uncertain significance for GSN-related condition. Last evaluated: 2025-08-05. Review status: criteria provided, single submitter. Criteria: ACMG Guidelines, 2015. Collection method: clinical testing. Allele origin: germline.
Comment: The GSN c.502A>G variant is predicted to result in the amino acid substitution p.Lys168Glu. To our knowledge, this variant has not been reported in the literature or in a large population database (gnomAD), indicating this variant is rare. At this time, the clinical significance of this variant is uncertain due to the absence of conclusive functional and genetic evidence.

NM_198252.3(GSN):c.349A>G (p.Lys117Glu)

Gene: GSN (gelsolin; plus strand). Cytogenetic location: 9q33.2.
Variant type: single nucleotide variant.
Coding change: c.349A>G on transcript NM_198252.3 (MANE Select); coding-DNA position 349, A replaced by G.
Protein change: p.Lys117Glu; replaces lysine 117 with glutamic acid.
Molecular consequence: missense variant. On other transcripts: 5 prime UTR variant (1).
Genome position (GRCh38, 1-based): chr9:121,303,063, A>G. VCF-style: chr9-121303063-A-G. GRCh37 (hg19) VCF-style: chr9-124065341-A-G.
Other names: c.502A>G, p.Lys168Glu (NM_000177.5); c.349A>G, p.Lys117Glu (NM_001127662.2, NM_001127664.2, NM_001127665.2 and 10 more transcripts); c.457A>G, p.Lys153Glu (NM_001127663.2); c.382A>G, p.Lys128Glu (NM_001127666.2, NM_001127667.2, NM_001353063.2 and 13 more transcripts); c.400A>G, p.Lys134Glu (NM_001258029.2); c.373A>G, p.Lys125Glu (NM_001258030.2); c.-306A>G (NM_001353078.2); c.421A>G, p.Lys141Glu (NM_001353076.2); short protein forms K125E, K141E, K128E, K134E, K117E, K153E, K168E.
Identifiers: ClinVar variation 4986025 (VCV004986025.2).
Genomic context (GRCh38, chr9:121,303,063, plus strand): 5'-GAGGTCCAGGGCTTCGAGTCGGCCACCTTCCTAGGCTACTTCAAGTCTGGCCTGAAGTAC[A>G]AGGTGGGTTGGGCCCCACCTTGCTTGAGCGGTAGGGACAGATGCACCAGTAACAGGGCTC-3'
Protein context (NP_937895.1, residues 107-127): LGYFKSGLKY[Lys117Glu]KGGVASGFKH